The following is an entry in ClinVar:

ClinVar aggregate classification (germline): Uncertain significance. Review status: no assertion criteria provided (0 of 4 stars). 2 submissions from 1 submitter: Uncertain significance (1). 1 of the submissions does not count toward it. Last evaluated 2012-03-09.

Submissions (2):

ISCA site 1
Classification: Uncertain significance. Last evaluated: 2012-03-09. Review status: no assertion criteria provided. Collection method: clinical testing. Allele origin: paternal. Affected: yes. Observed: 2 variant alleles.

ISCA site 1
Classification: Pathogenic. Last evaluated: 2011-05-06. Review status: flagged submission. Collection method: clinical testing. Allele origin: maternal. Affected: yes. Observed: 1 variant allele. Not counted in ClinVar's aggregate classification.
Comment: Copy number variation identified through the course of routine clinical cytogenomic testing in postnatal populations. Clinical assertions have been curated as described in Kaminsky et al. 2011.

Copy number variation identified through the course of routine clinical cytogenomic testing in postnatal populations. Clinical assertions have been curated as described in Kaminsky, et al. 2011 (PubMed 21844811). For additional ClinGen data, please see nstd37.
ClinVar note: Reason: This record appears to be redundant with a more recent record from the same submitter.
ClinVar note: Notes: SCV000175396 appears to be redundant with SCV000175395.

GRCh38/hg38 16p13.11(chr16:14816348-16580464)x3

Genes: ABCC1 (ATP binding cassette subfamily C member 1 (ABCC1 blood group); plus strand), ABCC6 (ATP binding cassette subfamily C member 6; minus strand), BMERB1 (bMERB domain containing 1; plus strand), CEP20 (centrosomal protein 20; minus strand), MARF1 (meiosis regulator and mRNA stability factor 1; minus strand) and 51 more. Cytogenetic location: 16p13.11.
Variant type: copy number gain.
Change: copy number 3 (three copies instead of two) of chr16:14,816,348-16,580,464 (1.76 Mb, GRCh38 coordinates, 1-based), cytogenetic band 16p13.11.
Identifiers: ClinVar variation 146212 (VCV000146212.3).